The following is an entry in ClinVar:

NM_020975.6(RET):c.1904G>T (p.Arg635Leu)

Gene: RET (ret proto-oncogene; plus strand). Cytogenetic location: 10q11.21.
Variant type: single nucleotide variant.
Coding change: c.1904G>T on transcript NM_020975.6 (MANE Select); coding-DNA position 1904, G replaced by T.
Protein change: p.Arg635Leu; replaces arginine 635 with leucine.
Molecular consequence: missense variant.
Genome position (GRCh38, 1-based): chr10:43,114,504, G>T. VCF-style: chr10-43114504-G-T. GRCh37 (hg19) VCF-style: chr10-43609952-G-T.
Other names: c.455G>T, p.Arg152Leu (NM_001406794.1, NM_001406792.1, NM_001406793.1); c.1904G>T, p.Arg635Leu (NM_020629.2, NM_020630.7, NM_000323.2 and 4 more transcripts); c.1142G>T, p.Arg381Leu (NM_001355216.2); c.1775G>T, p.Arg592Leu (NM_001406761.1, NM_001406762.1, NM_001406764.1); c.1616G>T, p.Arg539Leu (NM_001406766.1, NM_001406767.1, NM_001406770.1); c.1508G>T, p.Arg503Leu (NM_001406769.1, NM_001406772.1); c.1466G>T, p.Arg489Leu (NM_001406771.1, NM_001406773.1); c.1379G>T, p.Arg460Leu (NM_001406774.1); and 7 more; short protein forms R635L, R381L, R240L, R305L, R460L, R336L, R539L, R592L.
Identifiers: ClinVar variation 571671 (VCV000571671.10), dbSNP rs776164321, ClinGen allele CA376552915.

ClinVar aggregate classification (germline): Uncertain significance. Review status: criteria provided, multiple submitters, no conflicts (2 of 4 stars). 2 submissions from 2 submitters: Uncertain significance (2). Last evaluated 2025-06-02.

Conditions:
Hereditary cancer-predisposing syndrome. Also called: Hereditary neoplastic syndrome; Tumor predisposition; Neoplastic Syndromes, Hereditary; Hereditary Cancer Syndrome. Identifiers: Orphanet 140162, MedGen C0027672, MeSH D009386, MONDO:0015356.
Multiple endocrine neoplasia, type 2 (MEN2). Identifiers: Orphanet 653, MedGen C4048306, MONDO:0019003. Disease mechanism: gain of function.

gnomAD v4.1: 1 of 1,607,712 alleles (0.000062%); highest among the groups gnomAD compares: Non-Finnish European, 0.000085%; no homozygotes.

Submissions (2):

Labcorp Genetics (formerly Invitae), Labcorp
Classification: Uncertain significance for Multiple endocrine neoplasia, type 2. Last evaluated: 2025-06-02. Review status: criteria provided, single submitter. Criteria: Invitae Variant Classification Sherloc (09022015). Collection method: clinical testing. Allele origin: germline.
Comment: This sequence change replaces arginine, which is basic and polar, with leucine, which is neutral and non-polar, at codon 635 of the RET protein (p.Arg635Leu). The frequency data for this variant in the population databases is considered unreliable, as metrics indicate poor data quality at this position in the gnomAD database. This variant has not been reported in the literature in individuals affected with RET-related conditions. ClinVar contains an entry for this variant (Variation ID: 571671). An algorithm developed to predict the effect of missense changes on protein structure and function (PolyPhen-2) suggests that this variant is likely to be tolerated. In summary, the available evidence is currently insufficient to determine the role of this variant in disease. Therefore, it has been classified as a Variant of Uncertain Significance.

Ambry Genetics
Classification: Uncertain significance for Hereditary cancer-predisposing syndrome. Last evaluated: 2025-05-22. Review status: criteria provided, single submitter. Criteria: Ambry Variant Classification Scheme 2023. Collection method: clinical testing. Allele origin: germline.
Comment: The p.R635L variant (also known as c.1904G>T), located in coding exon 11 of the RET gene, results from a G to T substitution at nucleotide position 1904. The arginine at codon 635 is replaced by leucine, an amino acid with dissimilar properties. This amino acid position is not well conserved in available vertebrate species. In addition, the in silico prediction for this alteration is inconclusive. Based on the available evidence, the clinical significance of this variant remains unclear.